The following is an entry in ClinVar:

ClinVar aggregate classification (germline): Uncertain significance (1 of 4 stars; one submission).

Conditions:
Rhabdoid tumor predisposition syndrome 2 (RTPS2). Identifiers: Orphanet 231108, Orphanet 69077, MedGen C2750074, MONDO:0013224, OMIM 613325.

Submission:

Labcorp Genetics (formerly Invitae), Labcorp
Classification: Uncertain significance for Rhabdoid tumor predisposition syndrome 2. Last evaluated: 2023-08-11. Review status: criteria provided, single submitter. Criteria: Invitae Variant Classification Sherloc (09022015). Collection method: clinical testing. Allele origin: germline.
Comment: In summary, the available evidence is currently insufficient to determine the role of this variant in disease. Therefore, it has been classified as a Variant of Uncertain Significance. Advanced modeling of protein sequence and biophysical properties (such as structural, functional, and spatial information, amino acid conservation, physicochemical variation, residue mobility, and thermodynamic stability) performed at Invitae indicates that this missense variant is not expected to disrupt SMARCA4 protein function. This variant has not been reported in the literature in individuals affected with SMARCA4-related conditions. This variant is not present in population databases (gnomAD no frequency). This sequence change replaces proline, which is neutral and non-polar, with arginine, which is basic and polar, at codon 344 of the SMARCA4 protein (p.Pro344Arg).

NM_003072.5(SMARCA4):c.1031C>G (p.Pro344Arg)

Gene: SMARCA4 (SWI/SNF related BAF chromatin remodeling complex subunit ATPase 4; plus strand). Cytogenetic location: 19p13.2.
Variant type: single nucleotide variant.
Coding change: c.1031C>G on transcript NM_003072.5 (MANE Select); coding-DNA position 1031, C replaced by G.
Protein change: p.Pro344Arg; replaces proline 344 with arginine.
Molecular consequence: missense variant. On other transcripts: non-coding transcript variant (1).
Genome position (GRCh38, 1-based): chr19:10,987,837, C>G. VCF-style: chr19-10987837-C-G. GRCh37 (hg19) VCF-style: chr19-11098513-C-G.
Other names: c.1031C>G, p.Pro344Arg (NM_001128844.3, NM_001128845.2, NM_001128846.2 and 6 more transcripts); short protein forms P344R.
Identifiers: ClinVar variation 2751978 (VCV002751978.3), dbSNP rs2145820045, ClinGen allele CA404058669.